The following is an entry in ClinVar:

ClinVar aggregate classification (germline): Likely benign (0 of 4 stars; one submission).

Conditions:
MAFA-related disorder. Also called: MAFA-related condition.

Allele frequency attached by ClinVar (database versions not stated): ExAC 0.00150; 1000 Genomes Project 30x 0.00031; TOPMed 0.00075; gnomAD 0.00099; gnomAD exomes 0.00125.

Submission:

PreventionGenetics, part of Exact Sciences
Classification: Likely benign for MAFA-related condition. Last evaluated: 2022-08-18. Review status: no assertion criteria provided. Collection method: clinical testing. Allele origin: germline.
Comment: This variant is classified as likely benign based on ACMG/AMP sequence variant interpretation guidelines (Richards et al. 2015 PMID: 25741868, with internal and published modifications).

NM_201589.4(MAFA):c.*2C>T

Gene: MAFA (MAF bZIP transcription factor A; minus strand). Cytogenetic location: 8q24.3.
Variant type: single nucleotide variant.
Coding change: c.*2C>T on transcript NM_201589.4 (MANE Select); 2 bases downstream of the stop codon, C replaced by T.
Molecular consequence: 3 prime UTR variant.
Genome position (GRCh38, 1-based): chr8:143,429,343, G>A on the plus strand (C>T on the coding strand, the complement: MAFA is on the minus strand). VCF-style: chr8-143429343-G-A. GRCh37 (hg19) VCF-style: chr8-144511513-G-A.
Identifiers: ClinVar variation 3040597 (VCV003040597.2), dbSNP rs752414651, ClinGen allele CA4909845.
Genomic context (GRCh38, chr8:143,429,343, plus strand): 5'-GCCCCGAGAGGCCTGCGCGAACTTGTCCCCGGCGACGGCGGCGCGGGCTCGGGGTCCGGC[G>A]CCTACAGGAAGAAGTCGGCCGTGCCCTTGGCCCCGCCGGGACCGGCCTGCGGCGGCGAAG-3'